The following is an entry in ClinVar:

ClinVar aggregate classification (germline): Uncertain significance. Review status: criteria provided, single submitter (1 of 4 stars). 2 submissions from 2 submitters: Uncertain significance (1). 1 of the submissions does not count toward it. Last evaluated 2022-12-28.

Conditions:
OTOG-related disorder. Also called: OTOG-related condition.

Allele frequency attached by ClinVar (database versions not stated): gnomAD 0.00001.
gnomAD v4.1: 9 of 1,547,410 alleles (0.00058%); highest among the groups gnomAD compares: African/African-American, 0.0055%; no homozygotes.

Submissions (2):

GeneDx
Classification: Uncertain significance. Last evaluated: 2022-12-28. Review status: criteria provided, single submitter. Criteria: GeneDx Variant Classification Process June 2021. Collection method: clinical testing. Allele origin: germline. Affected: yes.
Comment: In silico analysis supports that this missense variant does not alter protein structure/function; Has not been previously published as pathogenic or benign to our knowledge

PreventionGenetics, part of Exact Sciences
Classification: Uncertain significance for OTOG-related condition. Last evaluated: 2024-04-17. Review status: no assertion criteria provided. Collection method: clinical testing. Allele origin: germline. Not counted in ClinVar's aggregate classification.
Comment: The OTOG c.7702G>A variant is predicted to result in the amino acid substitution p.Asp2568Asn. To our knowledge, this variant has not been reported in the literature. This variant is reported in 0.012% of alleles in individuals of African descent in gnomAD. At this time, the clinical significance of this variant is uncertain due to the absence of conclusive functional and genetic evidence.

NM_001292063.2(OTOG):c.7666G>A (p.Asp2556Asn)

Gene: OTOG (otogelin; plus strand). Cytogenetic location: 11p15.1.
Variant type: single nucleotide variant.
Coding change: c.7666G>A on transcript NM_001292063.2 (MANE Select); coding-DNA position 7666, G replaced by A.
Protein change: p.Asp2556Asn; replaces aspartic acid 2556 with asparagine.
Molecular consequence: missense variant.
Genome position (GRCh38, 1-based): chr11:17,635,160, G>A. VCF-style: chr11-17635160-G-A. GRCh37 (hg19) VCF-style: chr11-17656707-G-A.
Other names: c.7702G>A, p.Asp2568Asn (NM_001277269.2); short protein forms D2556N, D2568N.
Identifiers: ClinVar variation 2507091 (VCV002507091.2), dbSNP rs1474069594, ClinGen allele CA379813064.